The following is an entry in ClinVar:

ClinVar aggregate classification (germline): Uncertain significance (1 of 4 stars; one submission).

Conditions:
Supravalvar aortic stenosis (SVAS). Also called: Supravalvar aortic stenosis, Eisenberg type. Identifiers: Orphanet 3193, MedGen C0003499, MONDO:0008504, OMIM 185500, HP:0004381.

gnomAD v4.1: 1 of 1,613,546 alleles (0.000062%); highest among the groups gnomAD compares: Non-Finnish European, 0.000085%; no homozygotes.

Submission:

Labcorp Genetics (formerly Invitae), Labcorp
Classification: Uncertain significance for Supravalvar aortic stenosis. Last evaluated: 2024-05-05. Review status: criteria provided, single submitter. Criteria: Invitae Variant Classification Sherloc (09022015). Collection method: clinical testing. Allele origin: germline.
Comment: This sequence change affects codon 714 of the ELN mRNA. It is a 'silent' change, meaning that it does not change the encoded amino acid sequence of the ELN protein. This variant is not present in population databases (gnomAD no frequency). This variant has not been reported in the literature in individuals affected with ELN-related conditions. Algorithms developed to predict the effect of sequence changes on RNA splicing suggest that this variant may disrupt the consensus splice site. In summary, the available evidence is currently insufficient to determine the role of this variant in disease. Therefore, it has been classified as a Variant of Uncertain Significance.

NM_000501.4(ELN):c.1956C>G (p.Val652=)

Gene: ELN (elastin; plus strand). Cytogenetic location: 7q11.23.
Variant type: single nucleotide variant.
Coding change: c.1956C>G on transcript NM_000501.4 (MANE Select); coding-DNA position 1956, C replaced by G.
Protein change: p.Val652=; no amino-acid change (valine 652 retained).
Molecular consequence: synonymous variant.
Genome position (GRCh38, 1-based): chr7:74,063,658, C>G. VCF-style: chr7-74063658-C-G. GRCh37 (hg19) VCF-style: chr7-73477988-C-G.
Other names: c.1869C>G, p.Val623= (NM_001081752.3); c.1914C>G, p.Val638= (NM_001081753.3); c.1971C>G, p.Val657= (NM_001081754.3); c.1899C>G, p.Val633= (NM_001081755.3); c.1956C>G, p.Val652= (NM_001278912.2); c.1713C>G, p.Val571= (NM_001278913.2); c.1884C>G, p.Val628= (NM_001278914.2); c.1974C>G, p.Val658= (NM_001278915.2); and 4 more.
Identifiers: ClinVar variation 3674593 (VCV003674593.2).